The following is an entry in ClinVar:

NM_001111125.3(IQSEC2):c.301G>A (p.Glu101Lys)

Gene: IQSEC2 (IQ motif and Sec7 domain ArfGEF 2; minus strand). Cytogenetic location: Xp11.22.
Variant type: single nucleotide variant.
Coding change: c.301G>A on transcript NM_001111125.3 (MANE Select); coding-DNA position 301, G replaced by A.
Protein change: p.Glu101Lys; replaces glutamic acid 101 with lysine.
Molecular consequence: missense variant.
Genome position (GRCh38, 1-based): chrX:53,320,823, C>T on the plus strand (G>A on the coding strand, the complement: IQSEC2 is on the minus strand). VCF-style: chrX-53320823-C-T. GRCh37 (hg19) VCF-style: chrX-53350021-C-T.
Other names: c.301G>A, p.Glu101Lys (NM_001410736.1); short protein forms E101K.
Identifiers: ClinVar variation 1988435 (VCV001988435.4), dbSNP rs2520598505, ClinGen allele CA413239652.
Genomic context (GRCh38, chrX:53,320,823, plus strand): 5'-CTTCCCGGTTCGGGTAGCCCACGTCCCGGGCCGCCTGGTGGAACTGGCTCTCCCGCAGCT[C>T]GCGGTGGTGGAACTGGGTCTCGCGCAGGTTCTGGTACTGGCTCTCGCGGCCCGGGCTATC-3'
Protein context (NP_001104595.1, residues 91-111): NLRETQFHHR[Glu101Lys]LRESQFHQAA

ClinVar aggregate classification (germline): Uncertain significance (1 of 4 stars; one submission).

Conditions:
Intellectual developmental disorder, X-linked 1. Also called: Atkin Flaitz Patil Smith syndrome; MENTAL RETARDATION, X-LINKED 18; MENTAL RETARDATION, X-LINKED 78; Intellectual disability, X-linked 1. Identifiers: Orphanet 777, MedGen C2931498, MONDO:0010656, OMIM 309530.

Submission:

Labcorp Genetics (formerly Invitae), Labcorp
Classification: Uncertain significance for Intellectual developmental disorder, X-linked 1. Last evaluated: 2025-03-30. Review status: criteria provided, single submitter. Criteria: Invitae Variant Classification Sherloc (09022015). Collection method: clinical testing. Allele origin: germline.
Comment: This sequence change replaces glutamic acid, which is acidic and polar, with lysine, which is basic and polar, at codon 101 of the IQSEC2 protein (p.Glu101Lys). This variant is not present in population databases (gnomAD no frequency). This variant has not been reported in the literature in individuals affected with IQSEC2-related conditions. ClinVar contains an entry for this variant (Variation ID: 1988435). Invitae Evidence Modeling of protein sequence and biophysical properties (such as structural, functional, and spatial information, amino acid conservation, physicochemical variation, residue mobility, and thermodynamic stability) indicates that this missense variant is not expected to disrupt IQSEC2 protein function with a negative predictive value of 95%. In summary, the available evidence is currently insufficient to determine the role of this variant in disease. Therefore, it has been classified as a Variant of Uncertain Significance.